The following is an entry in ClinVar:

ClinVar aggregate classification (germline): Uncertain significance. Review status: criteria provided, multiple submitters, no conflicts (2 of 4 stars). 2 submissions from 2 submitters: Uncertain significance (2). Last evaluated 2025-05-09.

Conditions:
Epidermolysis bullosa simplex with nail dystrophy (EBS5D). Identifiers: MedGen C4225309, MONDO:0014661, OMIM 616487.
Epidermolysis bullosa simplex 5B, with muscular dystrophy (EBS5B). Also called: EPIDERMOLYSIS BULLOSA SIMPLEX AND LIMB-GIRDLE MUSCULAR DYSTROPHY; Epidermolysis bullosa simplex with muscular dystrophy. Identifiers: Orphanet 257, MedGen C2931072, MONDO:0009181, OMIM 226670.
Epidermolysis bullosa simplex 5C, with pyloric atresia (EBS5C). Also called: PLEC-Related Epidermolysis Bullosa with Pyloric Atresia; Epidermolysis bullosa simplex with pyloric atresia; PLEC1-Related Epidermolysis Bullosa with Pyloric Atresia. Identifiers: Orphanet 158684, MedGen C2677349, MONDO:0012807, OMIM 612138.
Autosomal recessive limb-girdle muscular dystrophy type 2Q (LGMDR17). Also called: MUSCULAR DYSTROPHY, LIMB-GIRDLE, AUTOSOMAL RECESSIVE 17. Identifiers: Orphanet 254361, MedGen C3150989, MONDO:0013390, OMIM 613723.
Epidermolysis bullosa simplex, Ogna type (EBS5A). Also called: Pidermolysis bullosa simplex 5A, Ogna type; EPIDERMOLYSIS BULLOSA SIMPLEX 5A, OGNA TYPE. Identifiers: Orphanet 79401, MedGen C0432317, MONDO:0007555, OMIM 131950.

Allele frequency attached by ClinVar (database versions not stated): gnomAD 0.00001; gnomAD exomes 0.00001; TOPMed 0.00001; ExAC 0.00017.
gnomAD v4.1: 14 of 1,546,470 alleles (0.00091%); highest among the groups gnomAD compares: Admixed American, 0.002%; no homozygotes.

Submissions (2):

Revvity Omics, Revvity
Classification: Uncertain significance. Last evaluated: 2025-05-09. Review status: criteria provided, single submitter. Criteria: ACMG Guidelines, 2015. Collection method: clinical testing. Allele origin: germline.

Labcorp Genetics (formerly Invitae), Labcorp
Classification: Uncertain significance for Autosomal recessive limb-girdle muscular dystrophy type 2Q; Epidermolysis bullosa simplex, Ogna type; Epidermolysis bullosa simplex with nail dystrophy; Epidermolysis bullosa simplex 5C, with pyloric atresia; Epidermolysis bullosa simplex 5B, with muscular dystrophy. Last evaluated: 2023-10-28. Review status: criteria provided, single submitter. Criteria: Invitae Variant Classification Sherloc (09022015). Collection method: clinical testing. Allele origin: germline.
Comment: This sequence change replaces arginine, which is basic and polar, with cysteine, which is neutral and slightly polar, at codon 4557 of the PLEC protein (p.Arg4557Cys). This variant is present in population databases (rs781867655, gnomAD 0.01%). This variant has not been reported in the literature in individuals affected with PLEC-related conditions. Experimental studies and prediction algorithms are not available or were not evaluated, and the functional significance of this variant is currently unknown. In summary, the available evidence is currently insufficient to determine the role of this variant in disease. Therefore, it has been classified as a Variant of Uncertain Significance.

NM_201384.3(PLEC):c.13588C>T (p.Arg4530Cys)

Gene: PLEC (plectin; minus strand). Cytogenetic location: 8q24.3.
Variant type: single nucleotide variant.
Coding change: c.13588C>T on transcript NM_201384.3 (MANE Select); coding-DNA position 13588, C replaced by T.
Protein change: p.Arg4530Cys; replaces arginine 4530 with cysteine.
Molecular consequence: missense variant.
Genome position (GRCh38, 1-based): chr8:143,916,233, G>A on the plus strand (C>T on the coding strand, the complement: PLEC is on the minus strand). VCF-style: chr8-143916233-G-A. GRCh37 (hg19) VCF-style: chr8-144990401-G-A.
Other names: c.13669C>T, p.Arg4557Cys (NM_000445.5); c.10288C>T, p.Arg3430Cys (NM_001410941.1); c.13546C>T, p.Arg4516Cys (NM_201378.4); c.13522C>T, p.Arg4508Cys (NM_201379.3); c.13999C>T, p.Arg4667Cys (NM_201380.4); c.13492C>T, p.Arg4498Cys (NM_201381.3); c.13588C>T, p.Arg4530Cys (NM_201382.4); c.13600C>T, p.Arg4534Cys (NM_201383.3); short protein forms R4530C, R4534C, R4498C, R4508C, R4667C, R3430C, R4516C, R4557C.
Identifiers: ClinVar variation 2926168 (VCV002926168.4), dbSNP rs781867655, ClinGen allele CA4923753.